The following is an entry in ClinVar:

NM_006767.4(LZTR1):c.539C>T (p.Ala180Val)

Gene: LZTR1 (leucine zipper like post translational regulator 1; plus strand). Cytogenetic location: 22q11.21.
Variant type: single nucleotide variant.
Coding change: c.539C>T on transcript NM_006767.4 (MANE Select); coding-DNA position 539, C replaced by T.
Protein change: p.Ala180Val; replaces alanine 180 with valine.
Molecular consequence: missense variant.
Genome position (GRCh38, 1-based): chr22:20,988,818, C>T. VCF-style: chr22-20988818-C-T. GRCh37 (hg19) VCF-style: chr22-21343107-C-T.
Other names: short protein forms A180V.
Identifiers: ClinVar variation 1415529 (VCV001415529.11), dbSNP rs1404043176, ClinGen allele CA410780133.

ClinVar aggregate classification (germline): Uncertain significance. Review status: criteria provided, multiple submitters, no conflicts (2 of 4 stars). 2 submissions from 2 submitters: Uncertain significance (2). Last evaluated 2026-01-26.

Conditions:
Hereditary cancer-predisposing syndrome. Also called: Hereditary Cancer Syndrome; Tumor predisposition; Hereditary neoplastic syndrome; Neoplastic Syndromes, Hereditary. Identifiers: Orphanet 140162, MedGen C0027672, MeSH D009386, MONDO:0015356.
Cardiovascular phenotype. Identifiers: MedGen CN230736.

Allele frequency attached by ClinVar (database versions not stated): gnomAD exomes below 0.00001 and 0.00001; gnomAD 0.00001.
gnomAD v4.1: 5 of 1,613,996 alleles (0.00031%); highest among the groups gnomAD compares: East Asian, 0.0089%; no homozygotes.

Submissions (2):

Labcorp Genetics (formerly Invitae), Labcorp
Classification: Uncertain significance. Last evaluated: 2026-01-26. Review status: criteria provided, single submitter. Criteria: Invitae Variant Classification Sherloc (09022015). Collection method: clinical testing. Allele origin: germline.
Comment: This sequence change replaces alanine, which is neutral and non-polar, with valine, which is neutral and non-polar, at codon 180 of the LZTR1 protein (p.Ala180Val). This variant is present in population databases (no rsID available, gnomAD 0.02%). This variant has not been reported in the literature in individuals affected with LZTR1-related conditions. ClinVar contains an entry for this variant (Variation ID: 1415529). Invitae Evidence Modeling of protein sequence and biophysical properties (such as structural, functional, and spatial information, amino acid conservation, physicochemical variation, residue mobility, and thermodynamic stability) indicates that this missense variant is not expected to disrupt LZTR1 protein function with a negative predictive value of 80%. In summary, the available evidence is currently insufficient to determine the role of this variant in disease. Therefore, it has been classified as a Variant of Uncertain Significance.

Ambry Genetics
Classification: Uncertain significance for Cardiovascular phenotype; Hereditary cancer-predisposing syndrome. Last evaluated: 2024-10-11. Review status: criteria provided, single submitter. Criteria: Ambry Variant Classification Scheme 2023. Collection method: clinical testing. Allele origin: germline.
Comment: The p.A180V variant (also known as c.539C>T), located in coding exon 6 of the LZTR1 gene, results from a C to T substitution at nucleotide position 539. The alanine at codon 180 is replaced by valine, an amino acid with similar properties. This amino acid position is highly conserved in available vertebrate species. In addition, the in silico prediction for this alteration is inconclusive. Based on the available evidence, the clinical significance of this variant remains unclear.